The following is an entry in ClinVar:

NM_001458.5(FLNC):c.602-11C>T

Gene: FLNC (filamin C; plus strand). Cytogenetic location: 7q32.1.
Variant type: single nucleotide variant.
Coding change: c.602-11C>T on transcript NM_001458.5 (MANE Select); 11 bases into the intron before coding-DNA position 602, C replaced by T.
Molecular consequence: intron variant.
Genome position (GRCh38, 1-based): chr7:128,837,149, C>T. VCF-style: chr7-128837149-C-T. GRCh37 (hg19) VCF-style: chr7-128477203-C-T.
Other names: c.602-11C>T (NM_001127487.2).
Identifiers: ClinVar variation 506352 (VCV000506352.16), dbSNP rs371111092, ClinGen allele CA4474077.

ClinVar aggregate classification (germline): Benign/Likely benign. Review status: criteria provided, multiple submitters, no conflicts (2 of 4 stars). 7 submissions from 7 submitters: Benign (4); Likely benign (1). 2 of the submissions do not count toward it. Last evaluated 2026-01-31.

Conditions:
Myofibrillar myopathy 5. Also called: Filaminopathy (type); FILAMINOPATHY, AUTOSOMAL DOMINANT. Identifiers: Orphanet 171445, MedGen C1836050, MONDO:0012289, OMIM 609524.
Distal myopathy with posterior leg and anterior hand involvement. Also called: WILLIAMS DISTAL MYOPATHY. Identifiers: Orphanet 63273, MedGen C3279722, MONDO:0013550, OMIM 614065.
Hypertrophic cardiomyopathy 26. Also called: Cardiomyopathy, familial hypertrophic, 26. Identifiers: Orphanet 75249, MedGen C4310749, MONDO:0014883, OMIM 617047.

Allele frequency attached by ClinVar (database versions not stated): ESP Exome Variant Server 0.00008; gnomAD 0.00010 and 0.00046; TOPMed 0.00015; gnomAD exomes 0.00118; 1000 Genomes Project 30x 0.00203; 1000 Genomes Project 0.00260; ExAC 0.00319.
gnomAD v4.1: 953 of 1,580,446 alleles (0.06%); highest among the groups gnomAD compares: South Asian, 0.87%; 17 homozygotes.

Submissions (7):

Labcorp Genetics (formerly Invitae), Labcorp
Classification: Benign for Distal myopathy with posterior leg and anterior hand involvement; Myofibrillar myopathy 5; Hypertrophic cardiomyopathy 26. Last evaluated: 2026-01-31. Review status: criteria provided, single submitter. Criteria: Invitae Variant Classification Sherloc (09022015). Collection method: clinical testing. Allele origin: germline.

Blueprint Genetics
Classification: Likely benign. Last evaluated: 2024-10-08. Review status: criteria provided, single submitter. Criteria: ACMG Guidelines, 2015. Collection method: clinical testing. Allele origin: germline.

Women's Health and Genetics/Laboratory Corporation of America, LabCorp
Classification: Benign. Last evaluated: 2023-11-06. Review status: criteria provided, single submitter. Criteria: LabCorp Variant Classification Summary - May 2015. Collection method: clinical testing. Allele origin: germline.

GeneDx
Classification: Benign. Last evaluated: 2017-09-07. Review status: criteria provided, single submitter. Criteria: GeneDx Variant Classification (06012015). Collection method: clinical testing. Allele origin: germline. Affected: yes.
Comment: This variant is considered likely benign or benign based on one or more of the following criteria: it is a conservative change, it occurs at a poorly conserved position in the protein, it is predicted to be benign by multiple in silico algorithms, and/or has population frequency not consistent with disease.

Breakthrough Genomics
Classification: Benign. Review status: criteria provided, single submitter. Criteria: ACMG Guidelines, 2015. Collection method: not provided. Allele origin: germline. Inheritance: Autosomal dominant inheritance. Affected: yes.

Clinical Genetics, Academic Medical Center
Classification: Benign. Review status: no assertion criteria provided. Collection method: clinical testing. Allele origin: germline. Affected: yes. Study: VKGL Data-share Consensus. Not counted in ClinVar's aggregate classification.

Joint Genome Diagnostic Labs from Nijmegen and Maastricht, Radboudumc and MUMC+
Classification: Benign. Review status: no assertion criteria provided. Collection method: clinical testing. Allele origin: germline. Affected: yes. Study: VKGL Data-share Consensus. Not counted in ClinVar's aggregate classification.